The following is an entry in ClinVar:

NM_002769.5(PRSS1):c.554G>C (p.Cys185Ser)

Genes: PRSS1 (serine protease 1; plus strand), TRB (T cell receptor beta locus; plus strand). Cytogenetic location: 7q34.
Variant type: single nucleotide variant.
Coding change: c.554G>C on transcript NM_002769.5 (MANE Select); coding-DNA position 554, G replaced by C.
Protein change: p.Cys185Ser; replaces cysteine 185 with serine.
Molecular consequence: missense variant. On other transcripts: non-coding transcript variant (5).
Genome position (GRCh38, 1-based): chr7:142,752,530, G>C. VCF-style: chr7-142752530-G-C. GRCh37 (hg19) VCF-style: chr7-142460381-G-C.
Other names: short protein forms C185S.
Identifiers: ClinVar variation 2448224 (VCV002448224.2), dbSNP rs1798833238, ClinGen allele CA369610359.

ClinVar aggregate classification (germline): Uncertain significance (1 of 4 stars; one submission).

Conditions:
Hereditary pancreatitis (PCTT). Also called: Hereditary chronic pancreatitis; PRSS1-Related Hereditary Pancreatitis. Identifiers: Orphanet 676, MedGen C0238339, MONDO:0008185, OMIM 167800.

Submission:

Ambry Genetics
Classification: Uncertain significance for Hereditary pancreatitis. Last evaluated: 2022-12-27. Review status: criteria provided, single submitter. Criteria: Ambry Variant Classification Scheme 2023. Collection method: clinical testing. Allele origin: germline.
Comment: The p.C185S variant (also known as c.554G>C), located in coding exon 4 of the PRSS1 gene, results from a G to C substitution at nucleotide position 554. The cysteine at codon 185 is replaced by serine, an amino acid with dissimilar properties. This amino acid position is conserved. In addition, this alteration is predicted to be deleterious by in silico analysis. Since supporting evidence is limited at this time, the clinical significance of this alteration remains unclear.